The following is an entry in ClinVar:

NM_201548.5(CERKL):c.1577_1593dup (p.Lys532delinsTrpLysLysTer)

Genes: CERKL (ceramide kinase like; minus strand), ITGA4 (integrin subunit alpha 4; plus strand). Cytogenetic location: 2q31.3.
Variant type: Duplication.
Coding change: c.1577_1593dup on transcript NM_201548.5 (MANE Select); coding-DNA positions 1577 to 1593, 17 bases duplicated (TGGAAGAAATGATTCCA).
Protein change: p.Lys532delinsTrpLysLysTer.
Molecular consequence: nonsense. On other transcripts: 3 prime UTR variant (1), non-coding transcript variant (2).
Genome position (GRCh38, 1-based): chr2:181,538,190-181,538,206, TGGAATCATTTCTTCCA duplicated on the plus strand (TGGAAGAAATGATTCCA on the coding strand, the reverse complement: CERKL is on the minus strand); duplicating any 17 consecutive bases within chr2:181,538,190-181,538,208 gives the same sequence; the c. name uses the placement nearest the transcript's 3' end. VCF-style (leftmost placement, unchanged base first): chr2-181538189-T-TTGGAATCATTTCTTCCA. GRCh37 (hg19) VCF-style: chr2-182402916-T-TTGGAATCATTTCTTCCA.
Other names: c.*2665_*2681dup (NM_000885.6); c.1655_1671dup, p.Lys558delinsTrpLysLysTer (NM_001030311.3); c.1238_1254dup, p.Lys419delinsTrpLysLysTer (NM_001030312.3); c.1370_1386dup, p.Lys463delinsTrpLysLysTer (NM_001030313.3); c.1523_1539dup, p.Lys514delinsTrpLysLysTer (NM_001160277.2).
Identifiers: ClinVar variation 1498205 (VCV001498205.3), dbSNP rs1559065816, ClinGen allele CA538108773.

ClinVar aggregate classification (germline): Uncertain significance (1 of 4 stars; one submission).

Submission:

Labcorp Genetics (formerly Invitae), Labcorp
Classification: Uncertain significance. Last evaluated: 2022-02-08. Review status: criteria provided, single submitter. Criteria: Invitae Variant Classification Sherloc (09022015). Collection method: clinical testing. Allele origin: germline.
Comment: This sequence change results in a frameshift in the CERKL gene (p.Lys558Trpfs*4). While this is not anticipated to result in nonsense mediated decay, it is expected to disrupt the last 1 amino acid(s) of the CERKL protein and extend the protein by 2 additional amino acid residues. This variant is present in population databases (no rsID available, gnomAD 0.0009%). This variant has not been reported in the literature in individuals affected with CERKL-related conditions. Experimental studies and prediction algorithms are not available or were not evaluated, and the functional significance of this variant is currently unknown. In summary, the available evidence is currently insufficient to determine the role of this variant in disease. Therefore, it has been classified as a Variant of Uncertain Significance.